The following is an entry in ClinVar:

NM_003036.4(SKI):c.757A>T (p.Met253Leu)

Gene: SKI (SKI proto-oncogene; plus strand). Cytogenetic location: 1p36.33.
Variant type: single nucleotide variant.
Coding change: c.757A>T on transcript NM_003036.4 (MANE Select); coding-DNA position 757, A replaced by T.
Protein change: p.Met253Leu; replaces methionine 253 with leucine.
Molecular consequence: missense variant.
Genome position (GRCh38, 1-based): chr1:2,229,523, A>T. VCF-style: chr1-2229523-A-T. GRCh37 (hg19) VCF-style: chr1-2160962-A-T.
Other names: short protein forms M253L.
Identifiers: ClinVar variation 940377 (VCV000940377.9), dbSNP rs767352419, ClinGen allele CA536451.

ClinVar aggregate classification (germline): Uncertain significance (1 of 4 stars; one submission).

Conditions:
Shprintzen-Goldberg syndrome (SGS). Also called: SHPRINTZEN-GOLDBERG CRANIOSYNOSTOSIS SYNDROME; CRANIOSYNOSTOSIS WITH ARACHNODACTYLY AND ABDOMINAL HERNIAS; Marfanoid disorder with craniosynostosis type 1; Marfanoid craniosynostosis syndrome; Shprintzen-Goldberg marfanoid syndrome. Identifiers: Orphanet 2462, MedGen C1321551, MONDO:0008426, OMIM 182212.

gnomAD v4.1: 3 of 1,611,090 alleles (0.00019%); highest among the groups gnomAD compares: African/African-American, 0.0013%; no homozygotes.

Submission:

Labcorp Genetics (formerly Invitae), Labcorp
Classification: Uncertain significance for Shprintzen-Goldberg syndrome. Last evaluated: 2019-06-14. Review status: criteria provided, single submitter. Criteria: Invitae Variant Classification Sherloc (09022015). Collection method: clinical testing. Allele origin: germline.
Comment: In summary, the available evidence is currently insufficient to determine the role of this variant in disease. Therefore, it has been classified as a Variant of Uncertain Significance. Algorithms developed to predict the effect of missense changes on protein structure and function output the following: SIFT: "Tolerated"; PolyPhen-2: "Benign"; Align-GVGD: "Class C0". The leucine amino acid residue is found in multiple mammalian species, suggesting that this missense change does not adversely affect protein function. These predictions have not been confirmed by published functional studies and their clinical significance is uncertain. This variant has not been reported in the literature in individuals with SKI-related conditions. This variant is present in population databases (rs767352419, ExAC 0.003%). This sequence change replaces methionine with leucine at codon 253 of the SKI protein (p.Met253Leu). The methionine residue is moderately conserved and there is a small physicochemical difference between methionine and leucine.